The following is an entry in ClinVar:

ClinVar aggregate classification (germline): Uncertain significance (1 of 4 stars; one submission).

Conditions:
Long QT syndrome (LQTS). Identifiers: MedGen C0023976, MeSH D008133, MONDO:0002442. Disease mechanism: loss of function. Inheritance: Various modes of inheritance.

Submission:

Labcorp Genetics (formerly Invitae), Labcorp
Classification: Uncertain significance for Long QT syndrome. Last evaluated: 2021-12-01. Review status: criteria provided, single submitter. Criteria: Invitae Variant Classification Sherloc (09022015). Collection method: clinical testing. Allele origin: germline.
Comment: This variant has not been reported in the literature in individuals affected with KCNH2-related conditions. This variant is not present in population databases (gnomAD no frequency). This sequence change replaces proline, which is neutral and non-polar, with serine, which is neutral and polar, at codon 764 of the KCNH2 protein (p.Pro764Ser). Algorithms developed to predict the effect of missense changes on protein structure and function are either unavailable or do not agree on the potential impact of this missense change (SIFT: "Deleterious"; PolyPhen-2: "Probably Damaging"; Align-GVGD: "Class C0"). In summary, the available evidence is currently insufficient to determine the role of this variant in disease. Therefore, it has been classified as a Variant of Uncertain Significance.

NM_000238.4(KCNH2):c.2290C>T (p.Pro764Ser)

Gene: KCNH2 (potassium voltage-gated channel subfamily H member 2; minus strand). Cytogenetic location: 7q36.1.
Variant type: single nucleotide variant.
Coding change: c.2290C>T on transcript NM_000238.4 (MANE Select); coding-DNA position 2290, C replaced by T.
Protein change: p.Pro764Ser; replaces proline 764 with serine.
Molecular consequence: missense variant.
Genome position (GRCh38, 1-based): chr7:150,950,276, G>A on the plus strand (C>T on the coding strand, the complement: KCNH2 is on the minus strand). VCF-style: chr7-150950276-G-A. GRCh37 (hg19) VCF-style: chr7-150647364-G-A.
Other names: c.1270C>T, p.Pro424Ser (NM_001204798.2, NM_172057.3); c.2002C>T, p.Pro668Ser (NM_001406753.1, NM_001406756.1); c.2113C>T, p.Pro705Ser (NM_001406755.1); c.1990C>T, p.Pro664Ser (NM_001406757.1); c.2290C>T, p.Pro764Ser (NM_172056.3); short protein forms P424S, P705S, P764S, P664S, P668S.
Identifiers: ClinVar variation 2021438 (VCV002021438.4), dbSNP rs1402460942, ClinGen allele CA369856270.